The following is an entry in ClinVar:

ClinVar aggregate classification (germline): Uncertain significance (1 of 4 stars; one submission).

Conditions:
Cryopyrin associated periodic syndrome (CAPS). Identifiers: Orphanet 208650, MedGen C2316212, MONDO:0016168.

Submission:

Labcorp Genetics (formerly Invitae), Labcorp
Classification: Uncertain significance for Cryopyrin associated periodic syndrome. Last evaluated: 2021-02-02. Review status: criteria provided, single submitter. Criteria: Invitae Variant Classification Sherloc (09022015). Collection method: clinical testing. Allele origin: germline.
Comment: In summary, the available evidence is currently insufficient to determine the role of this variant in disease. Therefore, it has been classified as a Variant of Uncertain Significance. Algorithms developed to predict the effect of missense changes on protein structure and function are either unavailable or do not agree on the potential impact of this missense change (SIFT: "Deleterious"; PolyPhen-2: "Probably Damaging"; Align-GVGD: "Class C0"). This variant has not been reported in the literature in individuals with NLRP3-related conditions. This variant is not present in population databases (ExAC no frequency). This sequence change replaces proline with leucine at codon 33 of the NLRP3 protein (p.Pro33Leu). The proline residue is moderately conserved and there is a moderate physicochemical difference between proline and leucine.

NM_001243133.2(NLRP3):c.92C>T (p.Pro31Leu)

Gene: NLRP3 (NLR family pyrin domain containing 3; plus strand). Cytogenetic location: 1q44.
Variant type: single nucleotide variant.
Coding change: c.92C>T on transcript NM_001243133.2 (MANE Select); coding-DNA position 92, C replaced by T.
Protein change: p.Pro31Leu; replaces proline 31 with leucine.
Molecular consequence: missense variant.
Genome position (GRCh38, 1-based): chr1:247,418,892, C>T. VCF-style: chr1-247418892-C-T. GRCh37 (hg19) VCF-style: chr1-247582194-C-T.
Other names: c.92C>T, p.Pro31Leu (NM_001079821.3, NM_001127461.3, NM_001127462.3 and 1 more transcripts); c.98C>T, p.Pro33Leu (NM_004895.5); short protein forms P31L, P33L.
Identifiers: ClinVar variation 1430150 (VCV001430150.8), dbSNP rs2103083866, ClinGen allele CA345552210.